The following is an entry in ClinVar:

ClinVar aggregate classification (germline): Conflicting classifications of pathogenicity. Review status: criteria provided, conflicting classifications (1 of 4 stars). 5 submissions from 5 submitters: Uncertain significance (1); Likely benign (4). Last evaluated 2026-01-13.

Conditions:
Cardiovascular phenotype. Identifiers: MedGen CN230736.
Cardiomyopathy (CMYO). Also called: Cardiomyopathies. Identifiers: Orphanet 167848, MedGen C0878544, MONDO:0004994, HP:0001638. Inheritance: Various modes of inheritance.
Arrhythmogenic right ventricular dysplasia 9 (ARVD9). Also called: Arrhythmogenic Right Ventricular Dysplasia/Cardiomyopathy 9; ARRHYTHMOGENIC RIGHT VENTRICULAR DYSPLASIA, FAMILIAL, 9. Identifiers: MedGen C1836906, MONDO:0012180, OMIM 609040.
Arrhythmogenic right ventricular cardiomyopathy (ARVD). Also called: Cardiomyopathy, ARVC; Arrhythmogenic right ventricular dysplasia; Arrhythmogenic cardiomyopathy; Arrhythmogenic Right Ventricular Cardiomyopathy (ARVC). Identifiers: Orphanet 247, MedGen C0349788, MeSH D019571, MONDO:0016587. Disease mechanism: loss of function. Inheritance: Various modes of inheritance.

Allele frequency attached by ClinVar (database versions not stated): gnomAD 0.00002 and 0.00001; gnomAD exomes 0.00002 and 0.00006; ExAC 0.00007; 1000 Genomes Project 0.00020; 1000 Genomes Project 30x 0.00031; TOPMed 0.00001.
gnomAD v4.1: 38 of 1,611,858 alleles (0.0024%); highest among the groups gnomAD compares: Admixed American, 0.015%; no homozygotes.

Submissions (5):

Labcorp Genetics (formerly Invitae), Labcorp
Classification: Uncertain significance for Arrhythmogenic right ventricular dysplasia 9. Last evaluated: 2026-01-13. Review status: criteria provided, single submitter. Criteria: Invitae Variant Classification Sherloc (09022015). Collection method: clinical testing. Allele origin: germline.
Comment: This sequence change replaces alanine, which is neutral and non-polar, with threonine, which is neutral and polar, at codon 187 of the PKP2 protein (p.Ala187Thr). This variant is present in population databases (rs200095747, gnomAD 0.02%). This variant has not been reported in the literature in individuals affected with PKP2-related conditions. ClinVar contains an entry for this variant (Variation ID: 227850). An algorithm developed to predict the effect of missense changes on protein structure and function outputs the following: PolyPhen-2: "Benign". The threonine amino acid residue is found in multiple mammalian species, which suggests that this missense change does not adversely affect protein function. In summary, the available evidence is currently insufficient to determine the role of this variant in disease. Therefore, it has been classified as a Variant of Uncertain Significance.

Color Diagnostics, LLC DBA Color Health
Classification: Likely benign for Cardiomyopathy. Last evaluated: 2024-09-04. Review status: criteria provided, single submitter. Criteria: ACMG Guidelines, 2015. Collection method: clinical testing. Allele origin: germline.

All of Us Research Program, National Institutes of Health
Classification: Likely benign for Arrhythmogenic right ventricular cardiomyopathy. Last evaluated: 2023-12-13. Review status: criteria provided, single submitter. Criteria: ACMG Guidelines, 2015. Collection method: clinical testing. Allele origin: germline. Inheritance: Autosomal dominant inheritance. Observed: 3 variant alleles, 3 heterozygotes.
Comment: This study involves interpretation of variants in research participants for the purpose of population health screening. Participant phenotype was not available at the time of variant classification. Additional details can be found in publication PMID: 35346344, PMCID: PMC8962531

Ambry Genetics
Classification: Likely benign for Cardiovascular phenotype. Last evaluated: 2022-10-07. Review status: criteria provided, single submitter. Criteria: Ambry Variant Classification Scheme 2023. Collection method: clinical testing. Allele origin: germline.

Laboratory for Molecular Medicine, Mass General Brigham Personalized Medicine
Classification: Likely benign. Last evaluated: 2015-01-19. Review status: criteria provided, single submitter. Criteria: LMM Criteria. Collection method: clinical testing. Allele origin: germline. Observed: 1 variant allele.
Comment: p.Ala187Thr in exon 3 of PKP2: This variant is not expected to have clinical sig nificance due to a lack of conservation across species, including mammals. Of no te, >10 mammals have a threonine (Thr) at this position. In addition, computatio nal prediction tools do not suggest an impact to the protein and the variant has been identified in 5/11602 Latino chromosomes by the Exome Aggregation Consorti um (ExAC; dbSNP rs200095747).

NM_001005242.3(PKP2):c.559G>A (p.Ala187Thr)

Gene: PKP2 (plakophilin 2; minus strand). Cytogenetic location: 12p11.21.
Variant type: single nucleotide variant.
Coding change: c.559G>A on transcript NM_001005242.3 (MANE Select); coding-DNA position 559, G replaced by A.
Protein change: p.Ala187Thr; replaces alanine 187 with threonine.
Molecular consequence: missense variant.
Genome position (GRCh38, 1-based): chr12:32,878,321, C>T on the plus strand (G>A on the coding strand, the complement: PKP2 is on the minus strand). VCF-style: chr12-32878321-C-T. GRCh37 (hg19) VCF-style: chr12-33031255-C-T.
Other names: c.559G>A, p.Ala187Thr (NM_004572.4); short protein forms A187T.
Identifiers: ClinVar variation 227850 (VCV000227850.19), dbSNP rs200095747, ClinGen allele CA037962.